The following is an entry in ClinVar:

NM_001378452.1(ITPR1):c.1126C>A (p.Arg376Ser)

Gene: ITPR1 (inositol 1,4,5-trisphosphate receptor type 1; plus strand). Cytogenetic location: 3p26.1.
Variant type: single nucleotide variant.
Coding change: c.1126C>A on transcript NM_001378452.1 (MANE Select); coding-DNA position 1126, C replaced by A.
Protein change: p.Arg376Ser; replaces arginine 376 with serine.
Molecular consequence: missense variant.
Genome position (GRCh38, 1-based): chr3:4,658,253, C>A. VCF-style: chr3-4658253-C-A. GRCh37 (hg19) VCF-style: chr3-4699937-C-A.
Other names: c.1126C>A, p.Arg376Ser (NM_001099952.4); c.1081C>A, p.Arg361Ser (NM_001168272.2, NM_002222.7); short protein forms R361S, R376S.
Identifiers: ClinVar variation 3360286 (VCV003360286.1).

ClinVar aggregate classification (germline): Uncertain significance (1 of 4 stars; one submission).

Submission:

GeneDx
Classification: Uncertain significance. Last evaluated: 2023-06-26. Review status: criteria provided, single submitter. Criteria: GeneDx Variant Classification Process June 2021. Collection method: clinical testing. Allele origin: germline. Affected: yes.
Comment: Not observed at significant frequency in large population cohorts (gnomAD); In silico analysis supports that this missense variant does not alter protein structure/function; Has not been previously published as pathogenic or benign to our knowledge